The following is an entry in ClinVar:

NM_170606.3(KMT2C):c.8788T>C (p.Ser2930Pro)

Gene: KMT2C (lysine methyltransferase 2C; minus strand). Cytogenetic location: 7q36.1.
Variant type: single nucleotide variant.
Coding change: c.8788T>C on transcript NM_170606.3 (MANE Select); coding-DNA position 8788, T replaced by C.
Protein change: p.Ser2930Pro; replaces serine 2930 with proline.
Molecular consequence: missense variant.
Genome position (GRCh38, 1-based): chr7:152,176,665, A>G on the plus strand (T>C on the coding strand, the complement: KMT2C is on the minus strand). VCF-style: chr7-152176665-A-G. GRCh37 (hg19) VCF-style: chr7-151873750-A-G.
Other names: short protein forms S2930P.
Identifiers: ClinVar variation 3764562 (VCV003764562.1).

ClinVar aggregate classification (germline): Uncertain significance (1 of 4 stars; one submission).

Conditions:
Kleefstra syndrome 2 (KLEFS2). Identifiers: MedGen C4540395, MONDO:0054701, OMIM 617768.

Submission:

Daryl Scott Lab, Baylor College of Medicine
Classification: Uncertain significance for Kleefstra syndrome 2. Last evaluated: 2024-01-01. Review status: criteria provided, single submitter. Criteria: ACMG Guidelines, 2015. Collection method: clinical testing. Allele origin: unknown. Observed: 1 heterozygote.
Comment: PM2